The following is an entry in ClinVar:

ClinVar aggregate classification (germline): Likely benign (0 of 4 stars; one submission).

Conditions:
CFAP251-related disorder. Also called: CFAP251-related condition.

gnomAD v4.1: 27 of 1,614,022 alleles (0.0017%); highest among the groups gnomAD compares: Middle Eastern, 0.21%; no homozygotes.

Submission:

PreventionGenetics, part of Exact Sciences
Classification: Likely benign for CFAP251-related condition. Last evaluated: 2019-07-12. Review status: no assertion criteria provided. Collection method: clinical testing. Allele origin: germline.
Comment: This variant is classified as likely benign based on ACMG/AMP sequence variant interpretation guidelines (Richards et al. 2015 PMID: 25741868, with internal and published modifications).

NM_144668.6(CFAP251):c.3297C>T (p.Pro1099=)

Gene: CFAP251 (cilia and flagella associated protein 251; plus strand). Cytogenetic location: 12q24.31.
Variant type: single nucleotide variant.
Coding change: c.3297C>T on transcript NM_144668.6 (MANE Select); coding-DNA position 3297, C replaced by T.
Protein change: p.Pro1099=; no amino-acid change (proline 1099 retained).
Molecular consequence: synonymous variant.
Genome position (GRCh38, 1-based): chr12:122,001,558, C>T. VCF-style: chr12-122001558-C-T. GRCh37 (hg19) VCF-style: chr12-122439464-C-T.
Identifiers: ClinVar variation 3350914 (VCV003350914.1).
Genomic context (GRCh38, chr12:122,001,558, plus strand): 5'-TGAGCATATGACGGAGGAGGAGATGTTGGATTGCTTTGCTTCACTGTTTGGCCTGAATCC[C>T]GAGGGATGGAAATCCGAGCCTGCAACCTGCTCCGTCAAAGGTACCCCAGCTGGCTTTGTC-3'
Protein context (NP_653269.3, residues 1089-1109): DCFASLFGLN[Pro1099=]EGWKSEPATC